The following is an entry in ClinVar:

ClinVar aggregate classification (germline): Benign (1 of 4 stars; one submission).

Submission:

Laboratory for Molecular Medicine, Mass General Brigham Personalized Medicine
Classification: Benign. Last evaluated: 2016-03-28. Review status: criteria provided, single submitter. Criteria: LMM Criteria. Collection method: clinical testing. Allele origin: germline.
Comment: Variant identified in a genome or exome case(s) and assessed due to predicted null impact of the variant or pathogenic assertions in the literature or databases. Disclaimer: This variant has not undergone full assessment. The following are preliminary notes: Frequency

NC_000021.9:g.46287131_46287135dup

Genes: MCM3AP (minichromosome maintenance complex component 3 associated protein; minus strand), YBEY (ybeY metalloendoribonuclease; plus strand). Cytogenetic location: 21q22.3.
Variant type: Duplication.
Molecular consequence: intron variant (on NM_001314025.2).
Genome position: GRCh38 VCF-style: chr21-46287125-T-TAAAAA. GRCh37 (hg19) VCF-style: chr21-47707039-T-TAAAAA.
Other names: NM_003906.3:c.-1844_-1840dupTTTTT; c.210+8_210+12dup (NM_058181.3, NM_001314022.2, NM_001314025.2 and 2 more transcripts); c.75+143_75+147dup (NM_001314023.2, NM_001314024.2).
Identifiers: ClinVar variation 403076 (VCV000403076.4), dbSNP rs58271568, ClinGen allele CA10077512.
Genomic context (GRCh38, chr21:46,287,125, plus strand): 5'-ATAGAATCTACAGAGATAGAAATGTCCCAACCGATGTGCTTTCTTTTCCATTTCATGAGG[T>TAAAAA]AAAAAAAAAATGTTCCTCTTCTTGTCTAGCCCATCTTCCCAGAGTAAATTTCCTGTCGTT-3'